The following is an entry in ClinVar:

ClinVar aggregate classification (germline): Conflicting classifications of pathogenicity. Review status: criteria provided, conflicting classifications (1 of 4 stars). 7 submissions from 7 submitters: Likely risk allele (1); Uncertain significance (5). 1 of the submissions does not count toward it. Last evaluated 2026-09-01.

Conditions:
WFS1-related disorder. Identifiers: MedGen CN379391, MONDO:0700293.
Wolfram syndrome 1 (WFS1). Identifiers: Orphanet 3463, MedGen C4551693, MONDO:0009101, OMIM 222300.
Autosomal dominant nonsyndromic hearing loss 6 (LFSNHL). Also called: DEAFNESS, AUTOSOMAL DOMINANT 14; DEAFNESS, AUTOSOMAL DOMINANT 38; DEAFNESS, AUTOSOMAL DOMINANT 6; Autosomal dominant nonsyndromic deafness 6. Identifiers: Orphanet 90635, MedGen C1833021, MONDO:0010963, OMIM 600965.
Type 2 diabetes mellitus. Also called: Type II diabetes mellitus. Identifiers: MedGen C0011860, MeSH D003924, MONDO:0005148, OMIM 125853, HP:0005978.
Cataract 41 (CTRCT41). Also called: CATARACT 41, CONGENITAL NUCLEAR TYPE. Identifiers: Orphanet 91492, Orphanet 98991, Orphanet 98992, Orphanet 98995, MedGen C3805412, MONDO:0007287, OMIM 116400.
Wolfram-like syndrome. Also called: HEARING LOSS, PROGRESSIVE, WITH OPTIC ATROPHY AND/OR IMPAIRED GLUCOSE REGULATION. Identifiers: Orphanet 411590, MedGen C3280358, MONDO:0013673, OMIM 614296.

Allele frequency attached by ClinVar (database versions not stated): ExAC 0.00001; gnomAD exomes 0.00001 and 0.00002; TOPMed 0.00009; gnomAD 0.00010 and 0.00011.
gnomAD v4.1: 37 of 1,613,890 alleles (0.0023%); highest among the groups gnomAD compares: African/African-American, 0.031%; no homozygotes.

Submissions (7):

GeneDx
Classification: Uncertain significance. Last evaluated: 2026-09-01. Review status: criteria provided, single submitter. Criteria: GeneDx Variant Classification Process June 2021. Collection method: clinical testing. Allele origin: germline.
Comment: In silico analysis supports that this missense variant has a deleterious effect on protein structure/function; Has not been previously published as pathogenic or benign to our knowledge

Labcorp Genetics (formerly Invitae), Labcorp
Classification: Uncertain significance. Last evaluated: 2026-01-04. Review status: criteria provided, single submitter. Criteria: Invitae Variant Classification Sherloc (09022015). Collection method: clinical testing. Allele origin: germline.
Comment: This sequence change replaces tryptophan, which is neutral and slightly polar, with glycine, which is neutral and non-polar, at codon 399 of the WFS1 protein (p.Trp399Gly). This variant is present in population databases (rs767561828, gnomAD 0.02%). This variant has not been reported in the literature in individuals affected with WFS1-related conditions. ClinVar contains an entry for this variant (Variation ID: 215386). Invitae Evidence Modeling of protein sequence and biophysical properties (such as structural, functional, and spatial information, amino acid conservation, physicochemical variation, residue mobility, and thermodynamic stability) indicates that this missense variant is expected to disrupt WFS1 protein function with a positive predictive value of 80%. In summary, the available evidence is currently insufficient to determine the role of this variant in disease. Therefore, it has been classified as a Variant of Uncertain Significance.

Fulgent Genetics
Classification: Uncertain significance for Cataract 41; Type 2 diabetes mellitus; Wolfram syndrome 1; Autosomal dominant nonsyndromic hearing loss 6; Wolfram-like syndrome. Last evaluated: 2022-04-21. Review status: criteria provided, single submitter. Criteria: ACMG Guidelines, 2015. Collection method: clinical testing. Allele origin: unknown.

Blueprint Genetics
Classification: Uncertain significance. Last evaluated: 2019-11-11. Review status: criteria provided, single submitter. Criteria: ACMG Guidelines, 2015. Collection method: clinical testing. Allele origin: germline.

Eurofins Ntd Llc (ga)
Classification: Uncertain significance. Last evaluated: 2017-01-12. Review status: criteria provided, single submitter. Criteria: EGL Classification Definitions 2015. Collection method: clinical testing. Allele origin: germline. Observed: 1 variant allele, 1 heterozygote.

Clinical Genomics, Uppaluri K&H Personalized Medicine Clinic
Classification: Likely risk allele for Wolfram syndrome 1. Review status: criteria provided, single submitter. Criteria: K & H Uppaluri Personalized Medicine Clinic Variant Classification & Assertion Criteria_Updated V.1. Collection method: research. Allele origin: unknown. Inheritance: Autosomal recessive inheritance.
Comment: Potent mutations in WFS1 gene are associated with Wolfram's syndrome, an autosomal recessive condition, which cause diabetes mellitus, diabetes insipidus, deafness and optic atrophy.However no sufficient evidence is found to ascertain the role of this particular variant rs767561828 in Wolfram's syndrome yet.

PreventionGenetics, part of Exact Sciences
Classification: Uncertain significance for WFS1-related condition. Last evaluated: 2024-08-05. Review status: no assertion criteria provided. Collection method: clinical testing. Allele origin: germline. Not counted in ClinVar's aggregate classification.
Comment: The WFS1 c.1195T>G variant is predicted to result in the amino acid substitution p.Trp399Gly. To our knowledge, this variant has not been reported in the literature. This variant is reported in 0.024% of alleles in individuals of African descent in gnomAD. At this time, the clinical significance of this variant is uncertain due to the absence of conclusive functional and genetic evidence.

Literature cited by the submitters: PubMed 20738327 (cited by Clinical Genomics, Uppaluri K&H Personalized Medicine Clinic); PubMed 33879153 (cited by Clinical Genomics, Uppaluri K&H Personalized Medicine Clinic); PubMed 12955714 (cited by Clinical Genomics, Uppaluri K&H Personalized Medicine Clinic); PubMed 18060660 (cited by Clinical Genomics, Uppaluri K&H Personalized Medicine Clinic); PubMed 20301750 (cited by Clinical Genomics, Uppaluri K&H Personalized Medicine Clinic); PubMed 17603484 (cited by Clinical Genomics, Uppaluri K&H Personalized Medicine Clinic).

NM_006005.3(WFS1):c.1195T>G (p.Trp399Gly)

Gene: WFS1 (wolframin ER transmembrane glycoprotein; plus strand). Cytogenetic location: 4p16.1.
Variant type: single nucleotide variant.
Coding change: c.1195T>G on transcript NM_006005.3 (MANE Select); coding-DNA position 1195, T replaced by G.
Protein change: p.Trp399Gly; replaces tryptophan 399 with glycine.
Molecular consequence: missense variant.
Genome position (GRCh38, 1-based): chr4:6,300,990, T>G. VCF-style: chr4-6300990-T-G. GRCh37 (hg19) VCF-style: chr4-6302717-T-G.
Other names: p.W399G:TGG>GGG; c.1195T>G, p.Trp399Gly (NM_001145853.1); short protein forms W399G.
Identifiers: ClinVar variation 215386 (VCV000215386.22), dbSNP rs767561828, ClinGen allele CA320196.